The following is an entry in ClinVar:

ClinVar aggregate classification (germline): Pathogenic. Review status: criteria provided, multiple submitters, no conflicts (2 of 4 stars). 4 submissions from 4 submitters: Pathogenic (3). 1 of the submissions does not count toward it. Last evaluated 2025-09-25.

Conditions:
Developmental and epileptic encephalopathy, 48 (DEE48). Also called: Epileptic encephalopathy, early infantile, 48. Identifiers: MedGen C4310637, MONDO:0015000, OMIM 617276.

Submissions (4):

Variantyx, Inc.
Classification: Pathogenic for Developmental and epileptic encephalopathy, 48. Last evaluated: 2025-09-25. Review status: criteria provided, single submitter. Criteria: Variantyx Assertion Criteria 2022. Collection method: clinical testing. Allele origin: germline. Inheritance: Autosomal recessive inheritance. Affected: no.
Comment: This is a frameshift variant in the AP3B2 gene (OMIM: 602166). Pathogenic variants in this gene have been associated with autosomal recessive developmental and epileptic encephalopathy 48. This variant introduces a premature termination codon in exon 5 out of 27 and is expected to result in loss of function, which is a known disease mechanism for AP3B2 in this disorder (PMID: 27889060) (PVS1). It has been identified in the homozygous or compound heterozygous state in at least one individuals reported in the published literature (PMID: 27889060) (PM3) and has a 0.0007% maximum allele frequency in non-founder control populations (PM2). Based on the current evidence, this variant is classified as pathogenic for autosomal recessive developmental and epileptic encephalopathy 48.

GeneDx
Classification: Pathogenic. Last evaluated: 2025-01-17. Review status: criteria provided, single submitter. Criteria: GeneDx Variant Classification Process June 2021. Collection method: clinical testing. Allele origin: germline. Affected: yes.
Comment: Frameshift variant predicted to result in protein truncation or nonsense mediated decay in a gene for which loss of function is a known mechanism of disease; Not observed at significant frequency in large population cohorts (gnomAD); This variant is associated with the following publications: (PMID: 36356440)

Labcorp Genetics (formerly Invitae), Labcorp
Classification: Pathogenic. Last evaluated: 2023-04-19. Review status: criteria provided, single submitter. Criteria: Invitae Variant Classification Sherloc (09022015). Collection method: clinical testing. Allele origin: germline.
Comment: This sequence change creates a premature translational stop signal (p.Ala149Serfs*34) in the AP3B2 gene. It is expected to result in an absent or disrupted protein product. Loss-of-function variants in AP3B2 are known to be pathogenic (PMID: 27889060). This variant is present in population databases (no rsID available, gnomAD 0.0009%). This variant has not been reported in the literature in individuals affected with AP3B2-related conditions. For these reasons, this variant has been classified as Pathogenic.

Genoks Genetic Disorders Diagnostic Laboratory
Classification: Pathogenic for Developmental and epileptic encephalopathy, 48. Last evaluated: 2021-08-22. Review status: no assertion criteria provided. Collection method: case-control. Allele origin: germline. Inheritance: Autosomal recessive inheritance. Affected: yes. Observed: 1 homozygote. Not counted in ClinVar's aggregate classification.

Literature cited by the submitters: PubMed 27889060 (cited by Variantyx, Inc. and Labcorp Genetics (formerly Invitae), Labcorp).

NM_001278512.2(AP3B2):c.445_448del (p.Ala149fs)

Genes: AP3B2 (adaptor related protein complex 3 subunit beta 2; minus strand), CPEB1-AS1 (CPEB1 antisense RNA 1; plus strand). Cytogenetic location: 15q25.2.
Variant type: Microsatellite.
Coding change: c.445_448del on transcript NM_001278512.2 (MANE Select); coding-DNA positions 445 to 448, 4 bases deleted (GCTA; older notation c.445_448delGCTA).
Protein change: p.Ala149fs; shifts the reading frame from alanine 149.
Molecular consequence: frameshift variant.
Genome position (GRCh38, 1-based): chr15:82,681,493-82,681,496, TAGC deleted on the plus strand (GCTA on the coding strand, the reverse complement: AP3B2 is on the minus strand); deleting any 4 consecutive bases within chr15:82,681,493-82,681,500 gives the same sequence; the c. name uses the placement nearest the transcript's 3' end. VCF-style (leftmost placement, unchanged base first): chr15-82681492-ATAGC-A. GRCh37 (hg19) VCF-style: chr15-83350244-ATAGC-A.
Other names: c.445_448delGCTA (NM_004644.5); c.349_352del, p.Ala117fs (NM_001278511.2); c.445_448del, p.Ala149fs (NM_004644.5); c.445_448del (NM_004644.3); short protein forms A117fs, A149fs.
Identifiers: ClinVar variation 1279926 (VCV001279926.11), dbSNP rs1369308468, ClinGen allele CA619409168.
Genomic context (GRCh38, chr15:82,681,492, plus strand): 5'-GGGATGGCGTGGGCAGCTGTTTTCCGCACATAGGGTGACATGTCCGAGGCGGCTTCCTTG[ATAGC>A]TAGCATCATGATGGGCACTATGATGGGCACACGGATGCTAGAGAGGACACGGAGGGCACT-3'